The following is an entry in ClinVar:

ClinVar aggregate classification (germline): Uncertain significance. Review status: criteria provided, multiple submitters, no conflicts (2 of 4 stars). 2 submissions from 2 submitters: Uncertain significance (2). Last evaluated 2025-04-12.

Allele frequency attached by ClinVar (database versions not stated): gnomAD 0.00002; TOPMed 0.00003; ESP Exome Variant Server 0.00008.
gnomAD v4.1: 4 of 1,613,362 alleles (0.00025%); highest among the groups gnomAD compares: African/African-American, 0.0054%; no homozygotes.

Submissions (2):

Ambry Genetics
Classification: Uncertain significance. Last evaluated: 2025-04-12. Review status: criteria provided, single submitter. Criteria: Ambry Variant Classification Scheme 2023. Collection method: clinical testing. Allele origin: germline.

Labcorp Genetics (formerly Invitae), Labcorp
Classification: Uncertain significance. Last evaluated: 2022-10-15. Review status: criteria provided, single submitter. Criteria: Invitae Variant Classification Sherloc (09022015). Collection method: clinical testing. Allele origin: germline.
Comment: In summary, the available evidence is currently insufficient to determine the role of this variant in disease. Therefore, it has been classified as a Variant of Uncertain Significance. This sequence change replaces tyrosine, which is neutral and polar, with cysteine, which is neutral and slightly polar, at codon 243 of the MAPKAPK3 protein (p.Tyr243Cys). This variant is present in population databases (rs372815253, gnomAD 0.007%). This variant has not been reported in the literature in individuals affected with MAPKAPK3-related conditions. Algorithms developed to predict the effect of missense changes on protein structure and function (SIFT, PolyPhen-2, Align-GVGD) all suggest that this variant is likely to be disruptive.

NM_001243925.2(MAPKAPK3):c.728A>G (p.Tyr243Cys)

Gene: MAPKAPK3 (MAPK activated protein kinase 3; plus strand). Cytogenetic location: 3p21.2.
Variant type: single nucleotide variant.
Coding change: c.728A>G on transcript NM_001243925.2 (MANE Select); coding-DNA position 728, A replaced by G.
Protein change: p.Tyr243Cys; replaces tyrosine 243 with cysteine.
Molecular consequence: missense variant.
Genome position (GRCh38, 1-based): chr3:50,646,163, A>G. VCF-style: chr3-50646163-A-G. GRCh37 (hg19) VCF-style: chr3-50683594-A-G.
Other names: c.728A>G, p.Tyr243Cys (NM_001243926.2, NM_004635.5); c.728A>G (NM_004635.4); short protein forms Y243C.
Identifiers: ClinVar variation 1967167 (VCV001967167.6), dbSNP rs372815253, ClinGen allele CA352934052.